The following is an entry in ClinVar:

ClinVar aggregate classification (germline): Uncertain significance. Review status: criteria provided, multiple submitters, no conflicts (2 of 4 stars). 2 submissions from 2 submitters: Uncertain significance (2). Last evaluated 2025-11-17.

Conditions:
Sclerosteosis 2 (SOST2). Identifiers: Orphanet 3152, MedGen C3280402, MONDO:0013679, OMIM 614305.
Congenital myasthenic syndrome 17. Identifiers: Orphanet 590, MedGen C4225377, MONDO:0014578, OMIM 616304.
Cenani-Lenz syndactyly syndrome. Also called: SYNDACTYLY, TYPE VII; CENANI SYNDACTYLISM. Identifiers: Orphanet 3258, MedGen C1859309, MONDO:0008931, OMIM 212780.

Allele frequency attached by ClinVar (database versions not stated): gnomAD 0.00011 and 0.00010; gnomAD exomes 0.00004 and 0.00003; ExAC 0.00004; ESP Exome Variant Server 0.00008; 1000 Genomes Project 30x 0.00016; TOPMed 0.00017; 1000 Genomes Project 0.00020.
gnomAD v4.1: 54 of 1,614,090 alleles (0.0033%); highest among the groups gnomAD compares: African/African-American, 0.028%; no homozygotes.

Submissions (2):

Labcorp Genetics (formerly Invitae), Labcorp
Classification: Uncertain significance for Cenani-Lenz syndactyly syndrome; Sclerosteosis 2; Congenital myasthenic syndrome 17. Last evaluated: 2025-11-17. Review status: criteria provided, single submitter. Criteria: Invitae Variant Classification Sherloc (09022015). Collection method: clinical testing. Allele origin: germline.
Comment: This sequence change replaces glycine, which is neutral and non-polar, with arginine, which is basic and polar, at codon 158 of the LRP4 protein (p.Gly158Arg). This variant is present in population databases (rs193247849, gnomAD 0.02%). This variant has not been reported in the literature in individuals affected with LRP4-related conditions. ClinVar contains an entry for this variant (Variation ID: 1435216). An algorithm developed to predict the effect of missense changes on protein structure and function (PolyPhen-2) suggests that this variant is likely to be disruptive. In summary, the available evidence is currently insufficient to determine the role of this variant in disease. Therefore, it has been classified as a Variant of Uncertain Significance.

Fulgent Genetics
Classification: Uncertain significance for Cenani-Lenz syndactyly syndrome; Sclerosteosis 2; Congenital myasthenic syndrome 17. Last evaluated: 2022-03-06. Review status: criteria provided, single submitter. Criteria: ACMG Guidelines, 2015. Collection method: clinical testing. Allele origin: unknown.

NM_002334.4(LRP4):c.472G>A (p.Gly158Arg)

Gene: LRP4 (LDL receptor related protein 4; minus strand). Cytogenetic location: 11p11.2.
Variant type: single nucleotide variant.
Coding change: c.472G>A on transcript NM_002334.4 (MANE Select); coding-DNA position 472, G replaced by A.
Protein change: p.Gly158Arg; replaces glycine 158 with arginine.
Molecular consequence: missense variant.
Genome position (GRCh38, 1-based): chr11:46,899,462, C>T on the plus strand (G>A on the coding strand, the complement: LRP4 is on the minus strand). VCF-style: chr11-46899462-C-T. GRCh37 (hg19) VCF-style: chr11-46921013-C-T.
Other names: short protein forms G158R.
Identifiers: ClinVar variation 1435216 (VCV001435216.7), dbSNP rs193247849, ClinGen allele CA5970485.
Genomic context (GRCh38, chr11:46,899,462, plus strand): 5'-CGGAGCCATCTTTGCAGTCGGTGTCACCGTCGCAGTACCAATGCTCAGCAATGCAGCTTC[C>T]GTCACTACAGCGGAACTCCTTGTCGGAGCACTTGCGCATGTCTGGGGGGATGCGATGGGA-3'
Protein context (NP_002325.2, residues 148-168): CSDKEFRCSD[Gly158Arg]SCIAEHWYCD